The following is an entry in ClinVar:

NM_006420.3(ARFGEF2):c.3650A>G (p.Asn1217Ser)

Gene: ARFGEF2 (ARF guanine nucleotide exchange factor 2; plus strand). Cytogenetic location: 20q13.13.
Variant type: single nucleotide variant.
Coding change: c.3650A>G on transcript NM_006420.3 (MANE Select); coding-DNA position 3650, A replaced by G.
Protein change: p.Asn1217Ser; replaces asparagine 1217 with serine.
Molecular consequence: missense variant.
Genome position (GRCh38, 1-based): chr20:49,010,297, A>G. VCF-style: chr20-49010297-A-G. GRCh37 (hg19) VCF-style: chr20-47626834-A-G.
Other names: short protein forms N1217S.
Identifiers: ClinVar variation 1309102 (VCV001309102.2), dbSNP rs769315845, ClinGen allele CA9899003.

ClinVar aggregate classification (germline): Uncertain significance (1 of 4 stars; one submission).

Allele frequency attached by ClinVar (database versions not stated): gnomAD exomes below 0.00001 and 0.00003; ExAC 0.00001; TOPMed 0.00002; gnomAD 0.00003 and 0.00004.
gnomAD v4.1: 49 of 1,614,048 alleles (0.003%); highest among the groups gnomAD compares: Middle Eastern, 0.049%; no homozygotes.

Submission:

GeneDx
Classification: Uncertain significance. Last evaluated: 2019-10-14. Review status: criteria provided, single submitter. Criteria: GeneDx Variant Classification Process June 2021. Collection method: clinical testing. Allele origin: germline. Affected: yes.
Comment: Not observed at a significant frequency in large population cohorts (Lek et al., 2016); In silico analysis, which includes protein predictors and evolutionary conservation, supports a deleterious effect; Has not been previously published as pathogenic or benign to our knowledge